The following is an entry in ClinVar:

ClinVar aggregate classification (germline): Uncertain significance (1 of 4 stars; one submission).

Submission:

GeneDx
Classification: Uncertain significance. Last evaluated: 2024-12-11. Review status: criteria provided, single submitter. Criteria: GeneDx Variant Classification Process June 2021. Collection method: clinical testing. Allele origin: germline. Affected: yes.
Comment: Not observed at significant frequency in large population cohorts (gnomAD); In silico analysis indicates that this missense variant does not alter protein structure/function; Has not been previously published as pathogenic or benign to our knowledge

NM_016628.5(WAC):c.48C>A (p.His16Gln)

Genes: WAC (WW domain containing adaptor with coiled-coil; plus strand), LOC130003576 (ATAC-STARR-seq lymphoblastoid silent region 2255; plus strand). Cytogenetic location: 10p12.1.
Variant type: single nucleotide variant.
Coding change: c.48C>A on transcript NM_016628.5 (MANE Select); coding-DNA position 48, C replaced by A.
Protein change: p.His16Gln; replaces histidine 16 with glutamine.
Molecular consequence: missense variant. On other transcripts: 5 prime UTR variant (1).
Genome position (GRCh38, 1-based): chr10:28,534,004, C>A. VCF-style: chr10-28534004-C-A. GRCh37 (hg19) VCF-style: chr10-28822933-C-A.
Other names: c.-88C>A (NM_100264.3); c.48C>A, p.His16Gln (NM_100486.4); short protein forms H16Q.
Identifiers: ClinVar variation 3902926 (VCV003902926.1).